The following is an entry in ClinVar:

NM_053025.4(MYLK):c.5002G>A (p.Glu1668Lys)

Genes: MYLK-AS1 (MYLK antisense RNA 1; plus strand), MYLK (myosin light chain kinase; minus strand), LOC126806791 (MED14-independent group 3 enhancer GRCh37_chr3:123347871-123349070; plus strand). Cytogenetic location: 3q21.1.
Variant type: single nucleotide variant.
Coding change: c.5002G>A on transcript NM_053025.4 (MANE Select); coding-DNA position 5002, G replaced by A.
Protein change: p.Glu1668Lys; replaces glutamic acid 1668 with lysine.
Molecular consequence: missense variant. On other transcripts: non-coding transcript variant (2), intron variant (2).
Genome position (GRCh38, 1-based): chr3:123,629,586, C>T on the plus strand (G>A on the coding strand, the complement: MYLK is on the minus strand). VCF-style: chr3-123629586-C-T. GRCh37 (hg19) VCF-style: chr3-123348433-C-T.
Other names: c.4474G>A, p.Glu1492Lys (NM_001321309.2); c.4795G>A, p.Glu1599Lys (NM_053026.4); c.4755-2645G>A (NM_053028.4); c.4962-2645G>A (NM_053027.4); short protein forms E1492K, E1668K, E1599K.
Identifiers: ClinVar variation 1744724 (VCV001744724.2), dbSNP rs750437332, ClinGen allele CA072377.
Genomic context (GRCh38, chr3:123,629,586, plus strand): 5'-TCTCATCGAATGCCTCGTCGTCGAAGTCCCAGGTGGCTGAGGTAACGTTGGCCAAGGTTT[C>T]GTTATCGTTGTCTCCCATGAAGGGGGAAAGGCCACTGACTCTGGAGAGACAAGAGCAGGA-3'
Protein context (NP_444253.3, residues 1658-1678): LSPFMGDNDN[Glu1668Lys]TLANVTSATW

ClinVar aggregate classification (germline): Uncertain significance (1 of 4 stars; one submission).

Conditions:
Familial thoracic aortic aneurysm and aortic dissection (TAAD). Also called: Thoracic aortic aneurysms and dissections. Identifiers: Orphanet 91387, MedGen C4707243, MONDO:0019625.

Allele frequency attached by ClinVar (database versions not stated): ExAC 0.00001; gnomAD exomes 0.00001; gnomAD 0.00002; TOPMed 0.00002.
gnomAD v4.1: 16 of 1,613,996 alleles (0.00099%); highest among the groups gnomAD compares: African/African-American, 0.008%; no homozygotes.

Submission:

Ambry Genetics
Classification: Uncertain significance for Familial thoracic aortic aneurysm and aortic dissection. Last evaluated: 2021-08-31. Review status: criteria provided, single submitter. Criteria: Ambry Variant Classification Scheme 2023. Collection method: clinical testing. Allele origin: germline.
Comment: The p.E1668K variant (also known as c.5002G>A), located in coding exon 27 of the MYLK gene, results from a G to A substitution at nucleotide position 5002. The glutamic acid at codon 1668 is replaced by lysine, an amino acid with similar properties. This amino acid position is conserved. In addition, this alteration is predicted to be deleterious by in silico analysis. Since supporting evidence is limited at this time, the clinical significance of this alteration remains unclear.